The following is an entry in ClinVar:

ClinVar aggregate classification (germline): Conflicting classifications of pathogenicity. Review status: criteria provided, conflicting classifications (1 of 4 stars). 3 submissions from 3 submitters: Likely pathogenic (1); Uncertain significance (1); Likely benign (1). Last evaluated 2025-11-27.

Conditions:
Recessive dystrophic epidermolysis bullosa (RDEB). Also called: DYSTROPHIC EPIDERMOLYSIS BULLOSA, AUTOSOMAL RECESSIVE; EPIDERMOLYSIS BULLOSA DYSTROPHICA, HALLOPEAU-SIEMENS TYPE; severe generalized recessive dystrophic epidermolysis bullosa; epidermolysis bullosa dystrophica, autosomal recessive; Recessive DEB (RDEB); Hallopeau-Siemens Disease. Identifiers: Orphanet 79408, Orphanet 79409, MedGen C0079474, MONDO:0009179, OMIM 226600.

Allele frequency attached by ClinVar (database versions not stated): TOPMed 0.00003; ESP Exome Variant Server 0.00008; gnomAD 0.00004; ExAC 0.00006.
gnomAD v4.1: 26 of 1,613,988 alleles (0.0016%); highest among the groups gnomAD compares: Middle Eastern, 0.049%; no homozygotes.

Submissions (3):

Labcorp Genetics (formerly Invitae), Labcorp
Classification: Likely benign. Last evaluated: 2025-11-27. Review status: criteria provided, single submitter. Criteria: Invitae Variant Classification Sherloc (09022015). Collection method: clinical testing. Allele origin: germline.

Genomic Medicine Center of Excellence, King Faisal Specialist Hospital and Research Centre
Classification: Uncertain significance for Recessive dystrophic epidermolysis bullosa. Last evaluated: 2024-04-04. Review status: criteria provided, single submitter. Criteria: ACMG Guidelines, 2015. Collection method: clinical testing. Allele origin: germline.

Victorian Clinical Genetics Services, Murdoch Childrens Research Institute
Classification: Likely pathogenic for Recessive dystrophic epidermolysis bullosa. Last evaluated: 2022-06-24. Review status: criteria provided, single submitter. Criteria: ACMG Guidelines, 2015. Collection method: clinical testing. Allele origin: germline. Affected: yes.
Comment: Based on the classification scheme VCGS_Germline_v1.3.4, this variant is classified as Likely pathogenic. Following criteria are met: 0103 - Dominant negative and loss of function are known mechanisms of disease in this gene and are associated with epidermolysis bullosa (OMIM, PMID: 31670143). (I) 0108 - This gene is associated with both recessive and dominant disease. The spectrum of epidermolysis bullosa associated with this gene can be either dominant or recessive. Dominant inheritance is typically associated with milder phenotypes, whereas recessive inheritance is usually observed in more severe cases (OMIM). (I) 0115 - Variants in this gene are known to have variable expressivity. Severity ranges from involving only nails to generalized and severe blistering and scarring (PMID: 31670143). (I) 0200 - Variant is predicted to result in a missense amino acid change from glycine to serine. (I) 0251 - This variant is heterozygous. (I) 0304 - Variant is present in gnomAD (v2) <0.01 for a recessive condition (16 heterozygotes, 0 homozygotes). (SP) 0501 - Missense variant consistently predicted to be damaging by multiple in silico tools or highly conserved with a major amino acid change. (SP) 0601 - Variant is located in the well-established functional Gly-X-Y motif within a collagen repeat domain, and affects a glycine residue (DECIPHER). (SP) 0710 - Another missense variant comparable to the one identified in this case has inconclusive previous evidence for pathogenicity. p.(Gly2150Asp) has been classified as a VUS by a clinical laboratory in ClinVar. (I) 0807 - This variant has no previous evidence of pathogenicity. (I) 0905 - No published segregation evidence has been identified for this variant. (I) 1007 - No published functional evidence has been identified for this variant. (I) 1208 - Inheritance information for this variant is not currently available in this individual. (I) Legend: (SP) - Supporting pathogenic, (I) - Information, (SB) - Supporting benign

Literature cited by the submitters: PubMed 31670143 (cited by Victorian Clinical Genetics Services, Murdoch Childrens Research Institute).

NM_000094.4(COL7A1):c.6448G>A (p.Gly2150Ser)

Gene: COL7A1 (collagen type VII alpha 1 chain; minus strand). Cytogenetic location: 3p21.31.
Variant type: single nucleotide variant.
Coding change: c.6448G>A on transcript NM_000094.4 (MANE Select); coding-DNA position 6448, G replaced by A.
Protein change: p.Gly2150Ser; replaces glycine 2150 with serine.
Molecular consequence: missense variant.
Genome position (GRCh38, 1-based): chr3:48,574,496, C>T on the plus strand (G>A on the coding strand, the complement: COL7A1 is on the minus strand). VCF-style: chr3-48574496-C-T. GRCh37 (hg19) VCF-style: chr3-48611929-C-T.
Other names: short protein forms G2150S.
Identifiers: ClinVar variation 2202540 (VCV002202540.6), dbSNP rs370428918, ClinGen allele CA2379045.